The following is an entry in ClinVar:

NM_000168.6(GLI3):c.3956dup (p.Gln1320fs)

Gene: GLI3 (GLI family zinc finger 3; minus strand). Cytogenetic location: 7p14.1.
Variant type: Duplication.
Coding change: c.3956dup on transcript NM_000168.6 (MANE Select); coding-DNA position 3956, one base duplicated (G; older notation c.3956dupG).
Protein change: p.Gln1320fs; shifts the reading frame from glutamine 1320.
Molecular consequence: frameshift variant.
Genome position (GRCh38, 1-based): chr7:41,965,117, C duplicated on the plus strand (G on the coding strand, the reverse complement: GLI3 is on the minus strand); the first of 3 consecutive C bases (chr7:41,965,117-41,965,119); duplicating any one gives the same sequence. VCF-style (leftmost placement, unchanged base first): chr7-41965116-T-TC. GRCh37 (hg19) VCF-style: chr7-42004714-T-TC.
Other names: short protein forms Q1320fs.
Identifiers: ClinVar variation 1411219 (VCV001411219.6), dbSNP rs2128705204, ClinGen allele CA2573142120.
Genomic context (GRCh38, chr7:41,965,116, plus strand): 5'-GCGGCCTGCCCCCGGGTGCTGCATGCTGTCGCCGAGGAGCTGGTGAGCCAGGTACCCCTG[T>TC]CCCACTGGGTCCTGGTTCTGCATGCCATTCACCATGCTGCCAGCTGACTCATTTGGCGCT-3'

ClinVar aggregate classification (germline): Pathogenic (1 of 4 stars; one submission).

Conditions:
Pallister-Hall syndrome (PHS). Also called: HYPOTHALAMIC HAMARTOBLASTOMA, HYPOPITUITARISM, IMPERFORATE ANUS, AND POSTAXIAL POLYDACTYLY; GLI3-Related Pallister-Hall Syndrome. Identifiers: Orphanet 672, MedGen C0265220, MONDO:0007804, OMIM 146510.
Greig cephalopolysyndactyly syndrome (GCPS). Also called: GLI3-Related Greig Cephalopolysyndactyly Syndrome; POLYSYNDACTYLY WITH PECULIAR SKULL SHAPE; Greig syndrome. Identifiers: Orphanet 380, MedGen C0265306, MONDO:0008287, OMIM 175700.

Submission:

Labcorp Genetics (formerly Invitae), Labcorp
Classification: Pathogenic for Pallister-Hall syndrome; Greig cephalopolysyndactyly syndrome. Last evaluated: 2021-12-06. Review status: criteria provided, single submitter. Criteria: Invitae Variant Classification Sherloc (09022015). Collection method: clinical testing. Allele origin: germline.
Comment: This sequence change creates a premature translational stop signal (p.Gln1320Thrfs*30) in the GLI3 gene. While this is not anticipated to result in nonsense mediated decay, it is expected to disrupt the last 261 amino acid(s) of the GLI3 protein. This variant is not present in population databases (gnomAD no frequency). This variant has not been reported in the literature in individuals affected with GLI3-related conditions. This variant disrupts a region of the GLI3 protein in which other variant(s) (p. Thr1488Lysfs*23) have been determined to be pathogenic (PMID: 24736735). This suggests that this is a clinically significant region of the protein, and that variants that disrupt it are likely to be disease-causing. For these reasons, this variant has been classified as Pathogenic.

Literature cited by the submitters: PubMed 24736735.